The following is an entry in ClinVar:

GRCh38/hg38 10q21.1(chr10:53975788-54177849)x1

Gene: PCDH15 (protocadherin related 15; minus strand). Cytogenetic location: 10q21.1.
Variant type: copy number loss.
Change: copy number 1 (one copy instead of two) of chr10:53,975,788-54,177,849 (202.1 kb, GRCh38 coordinates, 1-based), cytogenetic band 10q21.1.
Identifiers: ClinVar variation 4796032 (VCV004796032.1).

ClinVar aggregate classification (germline): Uncertain significance (1 of 4 stars; one submission).

Submission:

Medical Genetic Center, Changzhi Maternal and Child Health Care Hospital
Classification: Uncertain significance. Last evaluated: 2025-12-10. Review status: criteria provided, single submitter. Criteria: ACMG/ClinGen CNV Guidelines, 2019. Collection method: clinical testing. Allele origin: unknown.